The following is an entry in ClinVar:

NM_017617.5(NOTCH1):c.3271G>C (p.Gly1091Arg)

Gene: NOTCH1 (notch receptor 1; minus strand). Cytogenetic location: 9q34.3.
Variant type: single nucleotide variant.
Coding change: c.3271G>C on transcript NM_017617.5 (MANE Select); coding-DNA position 3271, G replaced by C.
Protein change: p.Gly1091Arg; replaces glycine 1091 with arginine.
Molecular consequence: missense variant.
Genome position (GRCh38, 1-based): chr9:136,508,286, C>G on the plus strand (G>C on the coding strand, the complement: NOTCH1 is on the minus strand). VCF-style: chr9-136508286-C-G. GRCh37 (hg19) VCF-style: chr9-139402738-C-G.
Other names: short protein forms G1091R.
Identifiers: ClinVar variation 1313220 (VCV001313220.3), dbSNP rs768095251, ClinGen allele CA375552028.

ClinVar aggregate classification (germline): Uncertain significance (1 of 4 stars; one submission).

Submission:

GeneDx
Classification: Uncertain significance. Last evaluated: 2022-11-01. Review status: criteria provided, single submitter. Criteria: GeneDx Variant Classification Process June 2021. Collection method: clinical testing. Allele origin: germline. Affected: yes.
Comment: Has not been previously published as pathogenic or benign to our knowledge; Not observed at significant frequency in large population cohorts (gnomAD); In silico analysis supports that this missense variant has a deleterious effect on protein structure/function